The following is an entry in ClinVar:

ClinVar aggregate classification (germline): Uncertain significance (1 of 4 stars; one submission).

Conditions:
Familial thoracic aortic aneurysm and aortic dissection (TAAD). Also called: Thoracic aortic aneurysms and dissections. Identifiers: Orphanet 91387, MedGen C4707243, MONDO:0019625.

Submission:

Labcorp Genetics (formerly Invitae), Labcorp
Classification: Uncertain significance for Familial thoracic aortic aneurysm and aortic dissection. Last evaluated: 2024-09-27. Review status: criteria provided, single submitter. Criteria: Invitae Variant Classification Sherloc (09022015). Collection method: clinical testing. Allele origin: germline.
Comment: This sequence change replaces proline, which is neutral and non-polar, with threonine, which is neutral and polar, at codon 182 of the SMAD3 protein (p.Pro182Thr). This variant is not present in population databases (gnomAD no frequency). This variant has not been reported in the literature in individuals affected with SMAD3-related conditions. Invitae Evidence Modeling of protein sequence and biophysical properties (such as structural, functional, and spatial information, amino acid conservation, physicochemical variation, residue mobility, and thermodynamic stability) indicates that this missense variant is not expected to disrupt SMAD3 protein function with a negative predictive value of 80%. In summary, the available evidence is currently insufficient to determine the role of this variant in disease. Therefore, it has been classified as a Variant of Uncertain Significance.

NM_005902.4(SMAD3):c.544C>A (p.Pro182Thr)

Gene: SMAD3 (SMAD family member 3; plus strand). Cytogenetic location: 15q22.33.
Variant type: single nucleotide variant.
Coding change: c.544C>A on transcript NM_005902.4 (MANE Select); coding-DNA position 544, C replaced by A.
Protein change: p.Pro182Thr; replaces proline 182 with threonine.
Molecular consequence: missense variant. On other transcripts: 5 prime UTR variant (2).
Genome position (GRCh38, 1-based): chr15:67,166,790, C>A. VCF-style: chr15-67166790-C-A. GRCh37 (hg19) VCF-style: chr15-67459128-C-A.
Other names: c.229C>A, p.Pro77Thr (NM_001145102.2, NM_001407016.1); c.412C>A, p.Pro138Thr (NM_001145103.2, NM_001407012.1); c.-42C>A (NM_001145104.2, NM_001407017.1); c.544C>A, p.Pro182Thr (NM_001407011.1, NM_001407013.1); c.397C>A, p.Pro133Thr (NM_001407014.1); c.97C>A, p.Pro33Thr (NM_001407015.1); short protein forms P138T, P33T, P182T, P133T, P77T.
Identifiers: ClinVar variation 3704012 (VCV003704012.2).